The following is an entry in ClinVar:

NM_000059.4(BRCA2):c.6015_6059dup (p.Asn2019_Glu2020insAspSerThrLysGlnValPheSerLysValLeuPheLysSerAsn)

Gene: BRCA2 (BRCA2 DNA repair associated; plus strand). Cytogenetic location: 13q13.1.
Variant type: Duplication.
Coding change: c.6015_6059dup on transcript NM_000059.4 (MANE Select); coding-DNA positions 6015 to 6059, 45 bases duplicated.
Protein change: p.Asn2019_Glu2020insAspSerThrLysGlnValPheSerLysValLeuPheLysSerAsn.
Molecular consequence: inframe insertion.
Genome position (GRCh38, 1-based): chr13:32,340,370-32,340,414, 45 bases duplicated; duplicating any 45 consecutive bases within chr13:32,340,368-32,340,414 gives the same sequence; the c. name uses the placement nearest the transcript's 3' end. GRCh37 (hg19): chr13:32,914,507-32,914,551.
Identifiers: ClinVar variation 1692122 (VCV001692122.1), dbSNP rs2137523267, ClinGen allele CA2573149399.
Genomic context (GRCh38, chr13:32,340,367, plus strand): 5'-ATCTGTCCAGGTATCAGATGCTTCATTACAAAACGCAAGACAAGTGTTTTCTGAAATAGA[A>AGATAGTACCAAGCAAGTCTTTTCCAAAGTATTGTTTAAAAGTAAC]GATAGTACCAAGCAAGTCTTTTCCAAAGTATTGTTTAAAAGTAACGAACATTCAGACCAG-3'

ClinVar aggregate classification (germline): Uncertain significance (1 of 4 stars; one submission).

Conditions:
Hereditary cancer-predisposing syndrome. Also called: Hereditary Cancer Syndrome; Hereditary neoplastic syndrome; Neoplastic Syndromes, Hereditary; Tumor predisposition. Identifiers: Orphanet 140162, MedGen C0027672, MeSH D009386, MONDO:0015356.

Submission:

Sema4
Classification: Uncertain significance for Hereditary cancer-predisposing syndrome. Last evaluated: 2021-12-29. Review status: criteria provided, single submitter. Criteria: Sema4 Curation Guidelines. Collection method: curation. Allele origin: germline.
Comment: The BRCA2 c.6015_6059dup (p.D2005_N2019dup) variant has not been reported in the literature to our knowledge. It was not observed in the large and broad cohorts of the Genome Aggregation Database (PMID: 32461654). The variant has not been reported in ClinVar. The evidence is insufficient to meet ACMG/AMP criteria for classifying the variant as benign or pathogenic. Thus, the clinical significance of this variant is currently uncertain.